The following is an entry in ClinVar:

NM_004385.5(VCAN):c.6923C>T (p.Ala2308Val)

Genes: VCAN (versican; plus strand), VCAN-AS1 (VCAN antisense RNA 1; minus strand). Cytogenetic location: 5q14.3.
Variant type: single nucleotide variant.
Coding change: c.6923C>T on transcript NM_004385.5 (MANE Select); coding-DNA position 6923, C replaced by T.
Protein change: p.Ala2308Val; replaces alanine 2308 with valine.
Molecular consequence: missense variant. On other transcripts: intron variant (2).
Genome position (GRCh38, 1-based): chr5:83,539,926, C>T. VCF-style: chr5-83539926-C-T. GRCh37 (hg19) VCF-style: chr5-82835745-C-T.
Other names: c.3962C>T, p.Ala1321Val (NM_001164097.2); c.4004-5611C>T (NM_001164098.2); c.1043-5611C>T (NM_001126336.3); short protein forms A1321V, A2308V.
Identifiers: ClinVar variation 2108193 (VCV002108193.4), dbSNP rs1477710278, ClinGen allele CA360313640.
Genomic context (GRCh38, chr5:83,539,926, plus strand): 5'-CTCAAGTGGAAAGTACCTCAAGTGACAAAATTGAAGACTTTAACAGAATGGAAAATGTGG[C>T]AAAAGAAGTTGGACCACTCGTATCTCAAACAGACATCTTTGAAGGTAGTGGGTCAGTAAC-3'
Protein context (NP_004376.2, residues 2298-2318): IEDFNRMENV[Ala2308Val]KEVGPLVSQT

ClinVar aggregate classification (germline): Uncertain significance (1 of 4 stars; one submission).

Allele frequency attached by ClinVar (database versions not stated): gnomAD exomes below 0.00001.
gnomAD v4.1: 1 of 1,614,054 alleles (0.000062%); highest among the groups gnomAD compares: East Asian, 0.0022%; no homozygotes.

Submission:

Labcorp Genetics (formerly Invitae), Labcorp
Classification: Uncertain significance. Last evaluated: 2025-11-05. Review status: criteria provided, single submitter. Criteria: Invitae Variant Classification Sherloc (09022015). Collection method: clinical testing. Allele origin: germline.
Comment: This sequence change replaces alanine, which is neutral and non-polar, with valine, which is neutral and non-polar, at codon 2308 of the VCAN protein (p.Ala2308Val). This variant is present in population databases (no rsID available, gnomAD 0.006%). This variant has not been reported in the literature in individuals affected with VCAN-related conditions. ClinVar contains an entry for this variant (Variation ID: 2108193). An algorithm developed to predict the effect of missense changes on protein structure and function outputs the following: PolyPhen-2: "Benign". The valine amino acid residue is found in multiple mammalian species, which suggests that this missense change does not adversely affect protein function. In summary, the available evidence is currently insufficient to determine the role of this variant in disease. Therefore, it has been classified as a Variant of Uncertain Significance.